The following is an entry in ClinVar:

NM_004006.3(DMD):c.1711T>G (p.Phe571Val)

Gene: DMD (dystrophin; minus strand). Cytogenetic location: Xp21.1.
Variant type: single nucleotide variant.
Coding change: c.1711T>G on transcript NM_004006.3 (MANE Select); coding-DNA position 1711, T replaced by G.
Protein change: p.Phe571Val; replaces phenylalanine 571 with valine.
Molecular consequence: missense variant.
Genome position (GRCh38, 1-based): chrX:32,573,631, A>C on the plus strand (T>G on the coding strand, the complement: DMD is on the minus strand). VCF-style: chrX-32573631-A-C. GRCh37 (hg19) VCF-style: chrX-32591748-A-C.
Other names: c.1687T>G, p.Phe563Val (NM_000109.4); c.1699T>G, p.Phe567Val (NM_004009.3); c.1342T>G, p.Phe448Val (NM_004010.3); short protein forms F448V, F571V, F563V, F567V.
Identifiers: ClinVar variation 1395369 (VCV001395369.6), dbSNP rs2149137178, ClinGen allele CA412673288.

ClinVar aggregate classification (germline): Uncertain significance (1 of 4 stars; one submission).

Conditions:
Duchenne muscular dystrophy (DMD). Also called: MUSCULAR DYSTROPHY, PSEUDOHYPERTROPHIC PROGRESSIVE, DUCHENNE TYPE; Duchenne Muscular Dystrophy (DMD). Identifiers: Orphanet 98896, MedGen C0013264, MONDO:0010679, OMIM 310200.

Submission:

Labcorp Genetics (formerly Invitae), Labcorp
Classification: Uncertain significance for Duchenne muscular dystrophy. Last evaluated: 2022-06-17. Review status: criteria provided, single submitter. Criteria: Invitae Variant Classification Sherloc (09022015). Collection method: clinical testing. Allele origin: germline.
Comment: In summary, the available evidence is currently insufficient to determine the role of this variant in disease. Therefore, it has been classified as a Variant of Uncertain Significance. Algorithms developed to predict the effect of missense changes on protein structure and function are either unavailable or do not agree on the potential impact of this missense change (SIFT: "Deleterious"; PolyPhen-2: "Possibly Damaging"; Align-GVGD: "Class C0"). This variant has not been reported in the literature in individuals affected with DMD-related conditions. This variant is not present in population databases (gnomAD no frequency). This sequence change replaces phenylalanine, which is neutral and non-polar, with valine, which is neutral and non-polar, at codon 571 of the DMD protein (p.Phe571Val).